The following is an entry in ClinVar:

NM_003244.4(TGIF1):c.290T>C (p.Met97Thr)

Gene: TGIF1 (TGFB induced factor homeobox 1; plus strand). Cytogenetic location: 18p11.31.
Variant type: single nucleotide variant.
Coding change: c.290T>C on transcript NM_003244.4 (MANE Select); coding-DNA position 290, T replaced by C.
Protein change: p.Met97Thr; replaces methionine 97 with threonine.
Molecular consequence: missense variant.
Genome position (GRCh38, 1-based): chr18:3,457,411, T>C. VCF-style: chr18-3457411-T-C. GRCh37 (hg19) VCF-style: chr18-3457409-T-C.
Other names: c.299T>C, p.Met100Thr (NM_001278682.2); c.290T>C, p.Met97Thr (NM_001278684.2, NM_173208.3); c.230T>C, p.Met77Thr (NM_001278686.3, NM_001374396.1, NM_001374397.1 and 5 more transcripts); c.332T>C, p.Met111Thr (NM_173207.4); short protein forms M100T, M111T, M77T, M97T.
Identifiers: ClinVar variation 3391602 (VCV003391602.2).

ClinVar aggregate classification (germline): Uncertain significance (1 of 4 stars; one submission).

gnomAD v4.1: 1 of 1,614,220 alleles (0.000062%); highest among the groups gnomAD compares: Non-Finnish European, 0.000085%; no homozygotes.

Submission:

GeneDx
Classification: Uncertain significance. Last evaluated: 2026-04-08. Review status: criteria provided, single submitter. Criteria: GeneDx Variant Classification Process June 2021. Collection method: clinical testing. Allele origin: germline.
Comment: Has not been previously published as pathogenic or benign to our knowledge; Not observed at significant frequency in large population cohorts (gnomAD); In silico analysis supports that this missense variant has a deleterious effect on protein structure/function